The following is an entry in ClinVar:

NM_033022.3(RPS24):c.-50G>A

Genes: RPS24 (ribosomal protein S24; plus strand), LOC130004144 (ATAC-STARR-seq lymphoblastoid active region 3613; plus strand). Cytogenetic location: 10q22.3.
Variant type: single nucleotide variant.
Coding change: c.-50G>A on transcript NM_033022.3; 50 bases upstream of the start codon, G replaced by A.
Genome position (GRCh38, 1-based): chr10:78,033,852, G>A. VCF-style: chr10-78033852-G-A. GRCh37 (hg19) VCF-style: chr10-79793610-G-A.
Identifiers: ClinVar variation 301089 (VCV000301089.7), dbSNP rs190989611, ClinGen allele CA5571835.

ClinVar aggregate classification (germline): Likely benign. Review status: criteria provided, multiple submitters, no conflicts (2 of 4 stars). 2 submissions from 2 submitters: Likely benign (2). Last evaluated 2018-02-05.

Conditions:
Diamond-Blackfan anemia 3 (DBA3). Also called: RPS24-Related Diamond-Blackfan Anemia. Identifiers: Orphanet 124, MedGen C1857719, MONDO:0012529, OMIM 610629.

Allele frequency attached by ClinVar (database versions not stated): gnomAD exomes 0.00023 and 0.00030; gnomAD 0.00043 and 0.00042; ExAC 0.00020; 1000 Genomes Project 0.00080; 1000 Genomes Project 30x 0.00094; TOPMed 0.00062; ESP Exome Variant Server 0.00038.

Submissions (2):

GeneDx
Classification: Likely benign. Last evaluated: 2018-02-05. Review status: criteria provided, single submitter. Criteria: GeneDx Variant Classification (06012015). Collection method: clinical testing. Allele origin: germline. Affected: yes.
Comment: This variant is considered likely benign or benign based on one or more of the following criteria: it is a conservative change, it occurs at a poorly conserved position in the protein, it is predicted to be benign by multiple in silico algorithms, and/or has population frequency not consistent with disease.

Illumina Laboratory Services, Illumina
Classification: Likely benign for Diamond-Blackfan anemia 3. Last evaluated: 2018-01-12. Review status: criteria provided, single submitter. Criteria: ICSL Variant Classification Criteria 13 December 2019. Collection method: clinical testing. Allele origin: germline.
Comment: This variant was observed in the ICSL laboratory as part of a predisposition screen in an ostensibly healthy population. It had not been previously curated by ICSL or reported in the Human Gene Mutation Database (HGMD: prior to June 1st, 2018), and was therefore a candidate for classification through an automated scoring system. Utilizing variant allele frequency, disease prevalence and penetrance estimates, and inheritance mode, an automated score was calculated to assess if this variant is too frequent to cause the disease. Based on the score and internal cut-off values, a variant classified as likely benign is not then subjected to further curation. The score for this variant resulted in a classification of likely benign for this disease.